The following is an entry in ClinVar:

ClinVar aggregate classification (germline): Pathogenic. Review status: criteria provided, multiple submitters, no conflicts (2 of 4 stars). 3 submissions from 3 submitters: Pathogenic (3). Last evaluated 2026-03-31.

Conditions:
Familial cancer of breast. Also called: hereditary breast carcinoma; BREAST CANCER, FAMILIAL; Hereditary breast cancer. Identifiers: Orphanet 227535, MedGen C0346153, MONDO:0016419, OMIM 114480. Disease mechanism: loss of function.
Ataxia-telangiectasia syndrome (AT). Also called: Ataxia-telangiectasia, complementation group D; AT, COMPLEMENTATION GROUP C; LOUIS-BAR SYNDROME; Cerebello-oculocutaneous telangiectasia; Immunodeficiency with ataxia telangiectasia; ATAXIA-TELANGIECTASIA, COMPLEMENTATION GROUP A. Identifiers: Orphanet 100, MedGen C0004135, MONDO:0008840, OMIM 208900.
ATM-related cancer predisposition. Also called: ATM-related cancer susceptibility. Identifiers: MedGen CN377759, MONDO:0700270.

Submissions (3):

Dasa
Classification: Pathogenic for ATM-related cancer predisposition. Last evaluated: 2026-03-31. Review status: criteria provided, single submitter. Criteria: DASA Assertion Criteria. Collection method: clinical testing. Allele origin: germline.
Comment: NM_000051.4(ATM):c.1762del (p.Asp588Thrfs*2) introduces a premature termination codon predicted to result in loss of normal protein function. Loss-of-function is an established mechanism of disease for this gene. The variant is present at low frequency in population datasets. Based on the available data, this variant is classified as pathogenic.

Myriad Genetics, Inc.
Classification: Pathogenic for Familial cancer of breast. Last evaluated: 2024-01-16. Review status: criteria provided, single submitter. Criteria: Myriad Autosomal Dominant, Autosomal Recessive and X-Linked Classification Criteria (2023). Collection method: clinical testing. Allele origin: unknown.
Comment: This variant is considered pathogenic. This variant creates a frameshift predicted to result in premature protein truncation.

Labcorp Genetics (formerly Invitae), Labcorp
Classification: Pathogenic for Ataxia-telangiectasia syndrome. Last evaluated: 2020-08-22. Review status: criteria provided, single submitter. Criteria: Invitae Variant Classification Sherloc (09022015). Collection method: clinical testing. Allele origin: germline.
Comment: For these reasons, this variant has been classified as Pathogenic. Loss-of-function variants in ATM are known to be pathogenic (PMID: 23807571, 25614872). This variant has not been reported in the literature in individuals with ATM-related conditions. This variant is not present in population databases (ExAC no frequency). This sequence change creates a premature translational stop signal (p.Asp588Thrfs*2) in the ATM gene. It is expected to result in an absent or disrupted protein product.

Literature cited by the submitters: PubMed 23807571 (cited by Labcorp Genetics (formerly Invitae), Labcorp); PubMed 25614872 (cited by Labcorp Genetics (formerly Invitae), Labcorp).

NM_000051.4(ATM):c.1762del (p.Asp588fs)

Gene: ATM (ATM serine/threonine kinase; plus strand). Cytogenetic location: 11q22.3.
Variant type: Deletion.
Coding change: c.1762del on transcript NM_000051.4 (MANE Select); coding-DNA position 1762, one base deleted (G; older notation c.1762delG).
Protein change: p.Asp588fs; shifts the reading frame from aspartic acid 588.
Molecular consequence: frameshift variant.
Genome position (GRCh38, 1-based): chr11:108,251,991, G deleted. VCF-style (leftmost placement, unchanged base first): chr11-108251990-TG-T. GRCh37 (hg19) VCF-style: chr11-108122717-TG-T.
Other names: c.1762del, p.Asp588fs (NM_001351834.2); short protein forms D588fs.
Identifiers: ClinVar variation 1075035 (VCV001075035.9), dbSNP rs2135343498, ClinGen allele CA2499220573.
Genomic context (GRCh38, chr11:108,251,990, plus strand): 5'-TAGAAGCTTTTCTTTAAAGGAATCAATAATGAAATGGCTCTTATTCTATCAGTTAGAGGG[TG>T]ACTTAGAAAATAGCACAGAAGTGCCTCCAATTCTTCACAGGTAATTTAAGTTCATTAGCA-3'